The following is an entry in ClinVar:

ClinVar aggregate classification (germline): Uncertain significance (1 of 4 stars; one submission).

gnomAD v4.1: 5 of 1,613,426 alleles (0.00031%); highest among the groups gnomAD compares: Non-Finnish European, 0.00042%; no homozygotes.

Submission:

Ambry Genetics
Classification: Uncertain significance. Last evaluated: 2025-04-24. Review status: criteria provided, single submitter. Criteria: Ambry Variant Classification Scheme 2023. Collection method: clinical testing. Allele origin: germline.
Comment: The p.P688L variant (also known as c.2063C>T), located in coding exon 3 of the CDK12 gene, results from a C to T substitution at nucleotide position 2063. The proline at codon 688 is replaced by leucine, an amino acid with similar properties. This amino acid position is conserved. In addition, this alteration is predicted to be tolerated by in silico analysis. Based on the available evidence, the clinical significance of this variant remains unclear.

NM_016507.4(CDK12):c.2063C>T (p.Pro688Leu)

Gene: CDK12 (cyclin dependent kinase 12; plus strand). Cytogenetic location: 17q12.
Variant type: single nucleotide variant.
Coding change: c.2063C>T on transcript NM_016507.4 (MANE Select); coding-DNA position 2063, C replaced by T.
Protein change: p.Pro688Leu; replaces proline 688 with leucine.
Molecular consequence: missense variant.
Genome position (GRCh38, 1-based): chr17:39,490,688, C>T. VCF-style: chr17-39490688-C-T. GRCh37 (hg19) VCF-style: chr17-37646941-C-T.
Other names: c.2063C>T, p.Pro688Leu (NM_015083.4); short protein forms P688L.
Identifiers: ClinVar variation 3999394 (VCV003999394.1).
Genomic context (GRCh38, chr17:39,490,688, plus strand): 5'-ACCTTCCTCTCCCTCCAGAGCTCCCTGGTGGAGATCTGTCTCCCCCAGACTCTCCAGAAC[C>T]AAAGGCAATCACACCACCTCAGCAACCATATAAAAAGAGACCAAAGTGAGTTTTTGGAGG-3'
Protein context (NP_057591.2, residues 678-698): GDLSPPDSPE[Pro688Leu]KAITPPQQPY